The following is an entry in ClinVar:

NM_001903.5(CTNNA1):c.854T>C (p.Phe285Ser)

Gene: CTNNA1 (catenin alpha 1; plus strand). Cytogenetic location: 5q31.2.
Variant type: single nucleotide variant.
Coding change: c.854T>C on transcript NM_001903.5 (MANE Select); coding-DNA position 854, T replaced by C.
Protein change: p.Phe285Ser; replaces phenylalanine 285 with serine.
Molecular consequence: missense variant.
Genome position (GRCh38, 1-based): chr5:138,824,795, T>C. VCF-style: chr5-138824795-T-C. GRCh37 (hg19) VCF-style: chr5-138160484-T-C.
Other names: c.854T>C, p.Phe285Ser (NM_001290307.3, NM_001323982.2, NM_001323983.1 and 3 more transcripts); c.545T>C, p.Phe182Ser (NM_001290309.3); c.485T>C, p.Phe162Ser (NM_001290310.3); short protein forms F162S, F285S, F182S.
Identifiers: ClinVar variation 1763821 (VCV001763821.4), dbSNP rs2532426783, ClinGen allele CA361130332.

ClinVar aggregate classification (germline): Uncertain significance (1 of 4 stars; one submission).

Conditions:
Hereditary cancer-predisposing syndrome. Also called: Neoplastic Syndromes, Hereditary; Tumor predisposition; Hereditary Cancer Syndrome; Hereditary neoplastic syndrome. Identifiers: Orphanet 140162, MedGen C0027672, MeSH D009386, MONDO:0015356.

Submission:

Ambry Genetics
Classification: Uncertain significance for Hereditary cancer-predisposing syndrome. Last evaluated: 2025-01-14. Review status: criteria provided, single submitter. Criteria: Ambry Variant Classification Scheme 2023. Collection method: clinical testing. Allele origin: germline.
Comment: The p.F285S variant (also known as c.854T>C), located in coding exon 5 of the CTNNA1 gene, results from a T to C substitution at nucleotide position 854. The phenylalanine at codon 285 is replaced by serine, an amino acid with highly dissimilar properties. This amino acid position is conserved. In addition, this alteration is predicted to be deleterious by in silico analysis. The evidence for this gene-disease relationship is limited; therefore, the clinical significance of this alteration is unclear.